The following is an entry in ClinVar:

ClinVar aggregate classification (germline): Benign/Likely benign. Review status: criteria provided, multiple submitters, no conflicts (2 of 4 stars). 3 submissions from 3 submitters: Benign (1); Likely benign (2). Last evaluated 2018-07-16.

Allele frequency attached by ClinVar (database versions not stated): ESP Exome Variant Server 0.00023; gnomAD 0.00144 and 0.00186; gnomAD exomes 0.00180 and 0.00557; TOPMed 0.00353; ExAC 0.00502; 1000 Genomes Project 30x 0.00906; 1000 Genomes Project 0.00958.
gnomAD v4.1: 2,902 of 1,613,090 alleles (0.18%); highest among the groups gnomAD compares: East Asian, 3.4%; 60 homozygotes.

Submissions (3):

Labcorp Genetics (formerly Invitae), Labcorp
Classification: Benign. Last evaluated: 2018-07-16. Review status: criteria provided, single submitter. Criteria: Invitae Variant Classification Sherloc (09022015). Collection method: clinical testing. Allele origin: germline.

GeneDx
Classification: Likely benign. Last evaluated: 2018-01-23. Review status: criteria provided, single submitter. Criteria: GeneDx Variant Classification (06012015). Collection method: clinical testing. Allele origin: germline. Affected: yes.
Comment: This variant is considered likely benign or benign based on one or more of the following criteria: it is a conservative change, it occurs at a poorly conserved position in the protein, it is predicted to be benign by multiple in silico algorithms, and/or has population frequency not consistent with disease.

Breakthrough Genomics
Classification: Likely benign. Review status: criteria provided, single submitter. Criteria: ACMG Guidelines, 2015. Collection method: not provided. Allele origin: germline. Inheritance: Unknown mechanism. Affected: yes.

NM_001080779.2(MYO1C):c.189C>T (p.Phe63=)

Gene: MYO1C (myosin IC; minus strand). Cytogenetic location: 17p13.3.
Variant type: single nucleotide variant.
Coding change: c.189C>T on transcript NM_001080779.2 (MANE Select); coding-DNA position 189, C replaced by T.
Protein change: p.Phe63=; no amino-acid change (phenylalanine 63 retained).
Molecular consequence: synonymous variant.
Genome position (GRCh38, 1-based): chr17:1,484,190, G>A on the plus strand (C>T on the coding strand, the complement: MYO1C is on the minus strand). VCF-style: chr17-1484190-G-A. GRCh37 (hg19) VCF-style: chr17-1387484-G-A.
Other names: c.132C>T, p.Phe44= (NM_001080950.2); c.117C>T, p.Phe39= (NM_001363855.1); c.84C>T, p.Phe28= (NM_033375.5).
Identifiers: ClinVar variation 508733 (VCV000508733.5), dbSNP rs45628238, ClinGen allele CA8268171.
Genomic context (GRCh38, chr17:1,484,190, plus strand): 5'-TCCCCACAAGGGCCTCACGTAGATGAGATTCTCCCGAAATCGCCGCCGCAGGTTCTCGAT[G>A]AAGGCGGCCTCGCTGGTGAAGTTCTCCAGCAGCACGAAATCCTGCACCCCCACCCGGTCA-3'
Protein context (NP_001074248.1, residues 53-73): LLENFTSEAA[Phe63=]IENLRRRFRE